The following is an entry in ClinVar:

ClinVar aggregate classification (germline): Uncertain significance (1 of 4 stars; one submission).

gnomAD v4.1: 12 of 1,610,666 alleles (0.00075%); highest among the groups gnomAD compares: Non-Finnish European, 0.00085%; no homozygotes.

Submission:

Labcorp Genetics (formerly Invitae), Labcorp
Classification: Uncertain significance. Last evaluated: 2022-06-29. Review status: criteria provided, single submitter. Criteria: Invitae Variant Classification Sherloc (09022015). Collection method: clinical testing. Allele origin: germline.
Comment: This variant is present in population databases (no rsID available, gnomAD no frequency). In summary, the available evidence is currently insufficient to determine the role of this variant in disease. Therefore, it has been classified as a Variant of Uncertain Significance. Algorithms developed to predict the effect of missense changes on protein structure and function (SIFT, PolyPhen-2, Align-GVGD) all suggest that this variant is likely to be disruptive. This variant has not been reported in the literature in individuals affected with SERPINH1-related conditions. This sequence change replaces asparagine, which is neutral and polar, with lysine, which is basic and polar, at codon 174 of the SERPINH1 protein (p.Asn174Lys).

NM_001235.5(SERPINH1):c.522C>A (p.Asn174Lys)

Gene: SERPINH1 (serpin family H member 1; plus strand). Cytogenetic location: 11q13.5.
Variant type: single nucleotide variant.
Coding change: c.522C>A on transcript NM_001235.5 (MANE Select); coding-DNA position 522, C replaced by A.
Protein change: p.Asn174Lys; replaces asparagine 174 with lysine.
Molecular consequence: missense variant.
Genome position (GRCh38, 1-based): chr11:75,566,871, C>A. VCF-style: chr11-75566871-C-A. GRCh37 (hg19) VCF-style: chr11-75277916-C-A.
Other names: c.522C>A, p.Asn174Lys (NM_001207014.3); short protein forms N174K.
Identifiers: ClinVar variation 2081443 (VCV002081443.2), dbSNP rs1018770051, ClinGen allele CA381890229.